The following is an entry in ClinVar:

ClinVar aggregate classification (germline): Uncertain significance (1 of 4 stars; one submission).

Submission:

GeneDx
Classification: Uncertain significance. Last evaluated: 2022-06-03. Review status: criteria provided, single submitter. Criteria: GeneDx Variant Classification Process June 2021. Collection method: clinical testing. Allele origin: germline. Affected: yes.
Comment: Not observed at significant frequency in large population cohorts (gnomAD); In silico analysis supports that this missense variant has a deleterious effect on protein structure/function; Has not been previously published as pathogenic or benign to our knowledge

NM_022893.4(BCL11A):c.968C>T (p.Ala323Val)

Gene: BCL11A (BCL11 transcription factor A; minus strand). Cytogenetic location: 2p16.1.
Variant type: single nucleotide variant.
Coding change: c.968C>T on transcript NM_022893.4 (MANE Select); coding-DNA position 968, C replaced by T.
Protein change: p.Ala323Val; replaces alanine 323 with valine.
Molecular consequence: missense variant. On other transcripts: intron variant (9).
Genome position (GRCh38, 1-based): chr2:60,461,944, G>A on the plus strand (C>T on the coding strand, the complement: BCL11A is on the minus strand). VCF-style: chr2-60461944-G-A. GRCh37 (hg19) VCF-style: chr2-60689079-G-A.
Other names: c.866C>T, p.Ala289Val (NM_001363864.1, NM_001365609.1, NM_001405711.1 and 2 more transcripts); c.968C>T, p.Ala323Val (NM_001405708.1, NM_001405709.1, NM_001405710.1 and 1 more transcripts); c.812C>T, p.Ala271Val (NM_001405713.1, NM_001405714.1, NM_001405715.1 and 3 more transcripts); c.710C>T, p.Ala237Val (NM_001405717.1, NM_001405718.1, NM_001405724.1); c.635C>T, p.Ala212Val (NM_001405720.1, NM_001405721.1); c.512C>T, p.Ala171Val (NM_001405725.1, NM_001405726.1, NM_001405727.1 and 1 more transcripts); c.630+338C>T (NM_138559.2, NM_001405732.1); c.528+338C>T (NM_001405733.1); and 5 more; short protein forms A171V, A212V, A237V, A271V, A289V, A323V.
Identifiers: ClinVar variation 1802069 (VCV001802069.1), dbSNP rs2466251520, ClinGen allele CA347039046.